The following is an entry in ClinVar:

NM_001172509.2(SATB2):c.581_584del (p.Glu194fs)

Gene: SATB2 (SATB homeobox 2; minus strand). Cytogenetic location: 2q33.1.
Variant type: Deletion.
Coding change: c.581_584del on transcript NM_001172509.2 (MANE Select); coding-DNA positions 581 to 584, 4 bases deleted (AATG; older notation c.581_584delAATG).
Protein change: p.Glu194fs; shifts the reading frame from glutamic acid 194.
Molecular consequence: frameshift variant.
Genome position (GRCh38, 1-based): chr2:199,380,377-199,380,380, CATT deleted on the plus strand (AATG on the coding strand, the reverse complement: SATB2 is on the minus strand); deleting any 4 consecutive bases within chr2:199,380,377-199,380,381 gives the same sequence; the c. name uses the placement nearest the transcript's 3' end. VCF-style (leftmost placement, unchanged base first): chr2-199380376-GCATT-G. GRCh37 (hg19) VCF-style: chr2-200245099-GCATT-G.
Other names: c.581_584del, p.Glu194fs (NM_001172517.1, NM_015265.4); short protein forms E194fs.
Identifiers: ClinVar variation 1805643 (VCV001805643.1), dbSNP rs2468945715, ClinGen allele CA923726217.

ClinVar aggregate classification (germline): Pathogenic (1 of 4 stars; one submission).

Conditions:
SATB2 associated disorder. Identifiers: Orphanet 576278, MedGen CN294806, MONDO:0100147.

Submission:

Victorian Clinical Genetics Services, Murdoch Childrens Research Institute
Classification: Pathogenic for SATB2 associated disorder. Last evaluated: 2020-05-26. Review status: criteria provided, single submitter. Criteria: ACMG Guidelines, 2015. Collection method: clinical testing. Allele origin: germline. Inheritance: Autosomal dominant inheritance.
Comment: Based on the classification scheme VCGS_Germline_v1.1.0, this variant is classified as Pathogenic. Following criteria are met: 0102 - Loss-of-function is a known mechanism of disease for this gene. (N) 0107 - This gene is known to be associated with autosomal dominant disease. (N) 0201 - Variant is predicted to cause nonsense-mediated decay (NMD) and loss of protein (exon 5 of 11). (P) 0251 - Variant is heterozygous. (N) 0301 - Variant is absent from gnomAD. (P) 0401 - Variant is located in a gene associated with a severe early-onset dominant condition that is intolerant to loss-of-function variants. (P) 0507 - Identified variant type is not compatible with in silico predictions of pathogenicity. (N) 0701 - Comparable variants have very strong previous evidence for pathogenicity (ClinVar). (P) 0807 - Variant has not previously been reported in a clinical context. 0905 - No segregation evidence has been identified for this variant. (N) 1007 - No published functional evidence has been identified for this variant. (P) Legend: (P) - Pathogenic, (N) - Neutral, (B) - Benign